The following is an entry in ClinVar:

ClinVar aggregate classification (germline): Uncertain significance (1 of 4 stars; one submission).

Submission:

Ambry Genetics
Classification: Uncertain significance. Last evaluated: 2025-06-02. Review status: criteria provided, single submitter. Criteria: Ambry Variant Classification Scheme 2023. Collection method: clinical testing. Allele origin: germline.
Comment: The p.T229I variant (also known as c.686C>T), located in coding exon 1 of the TET2 gene, results from a C to T substitution at nucleotide position 686. The threonine at codon 229 is replaced by isoleucine, an amino acid with similar properties. This amino acid position is conserved. In addition, the in silico prediction for this alteration is inconclusive. Based on the available evidence, the clinical significance of this variant remains unclear.

NM_001127208.3(TET2):c.686C>T (p.Thr229Ile)

Genes: TET2 (tet methylcytosine dioxygenase 2; plus strand), TET2-AS1 (TET2 antisense RNA 1; minus strand). Cytogenetic location: 4q24.
Variant type: single nucleotide variant.
Coding change: c.686C>T on transcript NM_001127208.3 (MANE Select); coding-DNA position 686, C replaced by T.
Protein change: p.Thr229Ile; replaces threonine 229 with isoleucine.
Molecular consequence: missense variant.
Genome position (GRCh38, 1-based): chr4:105,234,628, C>T. VCF-style: chr4-105234628-C-T. GRCh37 (hg19) VCF-style: chr4-106155785-C-T.
Other names: c.686C>T, p.Thr229Ile (NM_017628.4); short protein forms T229I.
Identifiers: ClinVar variation 3967686 (VCV003967686.1).
Genomic context (GRCh38, chr4:105,234,628, plus strand): 5'-ATGGTGCTACAGTTTCTGCCTCTTCCGTGGAACACACACATGGTGAACTCCTGGAAAAAA[C>T]ACTGTCTCAATATTATCCAGATTGTGTTTCCATTGCGGTGCAGAAAACCACATCTCACAT-3'
Protein context (NP_001120680.1, residues 219-239): EHTHGELLEK[Thr229Ile]LSQYYPDCVS